The following is an entry in ClinVar:

NM_172364.5(CACNA2D4):c.147G>T (p.Lys49Asn)

Gene: CACNA2D4 (calcium voltage-gated channel auxiliary subunit alpha2delta 4; minus strand). Cytogenetic location: 12p13.33.
Variant type: single nucleotide variant.
Coding change: c.147G>T on transcript NM_172364.5 (MANE Select); coding-DNA position 147, G replaced by T.
Protein change: p.Lys49Asn; replaces lysine 49 with asparagine.
Molecular consequence: missense variant.
Genome position (GRCh38, 1-based): chr12:1,918,327, C>A on the plus strand (G>T on the coding strand, the complement: CACNA2D4 is on the minus strand). VCF-style: chr12-1918327-C-A. GRCh37 (hg19) VCF-style: chr12-2027493-C-A.
Other names: short protein forms K49N.
Identifiers: ClinVar variation 4766017 (VCV004766017.1).

ClinVar aggregate classification (germline): Uncertain significance (1 of 4 stars; one submission).

gnomAD v4.1: 5 of 1,609,778 alleles (0.00031%); highest among the groups gnomAD compares: Non-Finnish European, 0.00042%; no homozygotes.

Submission:

Labcorp Genetics (formerly Invitae), Labcorp
Classification: Uncertain significance. Last evaluated: 2025-04-01. Review status: criteria provided, single submitter. Criteria: Invitae Variant Classification Sherloc (09022015). Collection method: clinical testing. Allele origin: germline.
Comment: This sequence change replaces lysine, which is basic and polar, with asparagine, which is neutral and polar, at codon 49 of the CACNA2D4 protein (p.Lys49Asn). This variant is present in population databases (no rsID available, gnomAD 0.003%). This variant has not been reported in the literature in individuals affected with CACNA2D4-related conditions. An algorithm developed to predict the effect of missense changes on protein structure and function (PolyPhen-2) suggests that this variant is likely to be tolerated. In summary, the available evidence is currently insufficient to determine the role of this variant in disease. Therefore, it has been classified as a Variant of Uncertain Significance.